The following is an entry in ClinVar:

ClinVar aggregate classification (germline): Uncertain significance (1 of 4 stars; one submission).

gnomAD v4.1: 1 of 1,611,856 alleles (0.000062%); highest among the groups gnomAD compares: Non-Finnish European, 0.000085%; no homozygotes.

Submission:

Labcorp Genetics (formerly Invitae), Labcorp
Classification: Uncertain significance. Last evaluated: 2025-07-29. Review status: criteria provided, single submitter. Criteria: Invitae Variant Classification Sherloc (09022015). Collection method: clinical testing. Allele origin: germline.
Comment: This sequence change replaces glutamic acid, which is acidic and polar, with valine, which is neutral and non-polar, at codon 242 of the CFH protein (p.Glu242Val). This variant is not present in population databases (gnomAD no frequency). This variant has not been reported in the literature in individuals affected with CFH-related conditions. An algorithm developed to predict the effect of missense changes on protein structure and function outputs the following: PolyPhen-2: "Benign". The valine amino acid residue is found in multiple mammalian species, which suggests that this missense change does not adversely affect protein function. In summary, the available evidence is currently insufficient to determine the role of this variant in disease. Therefore, it has been classified as a Variant of Uncertain Significance.

NM_000186.4(CFH):c.725A>T (p.Glu242Val)

Gene: CFH (complement factor H; plus strand). Cytogenetic location: 1q31.3.
Variant type: single nucleotide variant.
Coding change: c.725A>T on transcript NM_000186.4 (MANE Select); coding-DNA position 725, A replaced by T.
Protein change: p.Glu242Val; replaces glutamic acid 242 with valine.
Molecular consequence: missense variant.
Genome position (GRCh38, 1-based): chr1:196,679,728, A>T. VCF-style: chr1-196679728-A-T. GRCh37 (hg19) VCF-style: chr1-196648858-A-T.
Other names: c.725A>T, p.Glu242Val (NM_001014975.3); short protein forms E242V.
Identifiers: ClinVar variation 4771631 (VCV004771631.1).